The following is an entry in ClinVar:

ClinVar aggregate classification (germline): Pathogenic (1 of 4 stars; one submission).

Conditions:
Primary hyperoxaluria type 3. Also called: PH III. Identifiers: Orphanet 416, Orphanet 93600, MedGen C3150878, MONDO:0013327, OMIM 613616. Disease mechanism: loss of function.

Submission:

Myriad Genetics, Inc.
Classification: Pathogenic for Primary hyperoxaluria type 3. Last evaluated: 2026-01-14. Review status: criteria provided, single submitter. Criteria: Myriad Autosomal Dominant, Autosomal Recessive and X-Linked Classification Criteria (2023). Collection method: clinical testing. Allele origin: unknown.
Comment: NM_138413.3(HOGA1):c.592dupA(S198Kfs*4) is a frameshift variant classified as pathogenic in the context of primary hyperoxaluria type 3. S198Kfs*4 has not been observed in cases with relevant disease. Relevant functional assessments of this variant are not available in the literature. S198Kfs*4 has not been observed in referenced population frequency databases. In summary, NM_138413.3(HOGA1):c.592dupA(S198Kfs*4) is a frameshift variant in a gene where loss of function is a known mechanism of disease, is predicted to disrupt protein function, and has been observed more frequently in cases with the relevant disease than in healthy populations. Please note: this variant was assessed in the context of healthy population screening.

NM_138413.4(HOGA1):c.592dup (p.Ser198fs)

Gene: HOGA1 (4-hydroxy-2-oxoglutarate aldolase 1; plus strand). Cytogenetic location: 10q24.2.
Variant type: Duplication.
Coding change: c.592dup on transcript NM_138413.4 (MANE Select); coding-DNA position 592, one base duplicated (A; older notation c.592dupA).
Protein change: p.Ser198fs; shifts the reading frame from serine 198.
Molecular consequence: frameshift variant. On other transcripts: intron variant (1).
Genome position (GRCh38, 1-based): chr10:97,599,803, A duplicated. VCF-style (leftmost placement, unchanged base first): chr10-97599802-C-CA. GRCh37 (hg19) VCF-style: chr10-99359559-C-CA.
Other names: c.212-2054dup (NM_001134670.2); short protein forms S198fs.
Identifiers: ClinVar variation 5004393 (VCV005004393.1).